The following is an entry in ClinVar:

ClinVar aggregate classification (germline): Benign/Likely benign. Review status: criteria provided, multiple submitters, no conflicts (2 of 4 stars). 5 submissions from 5 submitters: Benign (1); Likely benign (4). Last evaluated 2025-07-14.

Conditions:
Cardiomyopathy (CMYO). Also called: Cardiomyopathies. Identifiers: Orphanet 167848, MedGen C0878544, MONDO:0004994, HP:0001638. Inheritance: Various modes of inheritance.
Catecholaminergic polymorphic ventricular tachycardia (CVPT). Also called: Catecholamine-induced polymorphic ventricular tachycardia. Identifiers: Orphanet 3286, MedGen C5574922, MONDO:0017990.
Catecholaminergic polymorphic ventricular tachycardia 1. Also called: RYR2-Related Catecholaminergic Polymorphic Ventricular Tachycardia; VENTRICULAR TACHYCARDIA, STRESS-INDUCED POLYMORPHIC 1; VENTRICULAR TACHYCARDIA, CATECHOLAMINERGIC POLYMORPHIC, 1, WITH OR WITHOUT ATRIAL DYSFUNCTION AND/OR DILATED CARDIOMYOPATHY. Identifiers: Orphanet 3286, MedGen C1631597, MONDO:0011484, OMIM 604772.

Allele frequency attached by ClinVar (database versions not stated): gnomAD 0.00003 and 0.00007; gnomAD exomes 0.00003 and 0.00005; TOPMed 0.00003; ExAC 0.00005; 1000 Genomes Project 30x 0.00016; 1000 Genomes Project 0.00020.
gnomAD v4.1: 54 of 1,608,692 alleles (0.0034%); highest among the groups gnomAD compares: Admixed American, 0.018%; no homozygotes.

Submissions (5):

Labcorp Genetics (formerly Invitae), Labcorp
Classification: Likely benign for Catecholaminergic polymorphic ventricular tachycardia 1. Last evaluated: 2025-07-14. Review status: criteria provided, single submitter. Criteria: Invitae Variant Classification Sherloc (09022015). Collection method: clinical testing. Allele origin: germline.

All of Us Research Program, National Institutes of Health
Classification: Likely benign for Catecholaminergic polymorphic ventricular tachycardia. Last evaluated: 2023-12-01. Review status: criteria provided, single submitter. Criteria: ACMG Guidelines, 2015. Collection method: clinical testing. Allele origin: germline. Inheritance: Autosomal dominant inheritance. Observed: 8 variant alleles, 8 heterozygotes.
Comment: This study involves interpretation of variants in research participants for the purpose of population health screening. Participant phenotype was not available at the time of variant classification. Additional details can be found in publication PMID: 35346344, PMCID: PMC8962531

Blueprint Genetics
Classification: Likely benign. Last evaluated: 2023-06-12. Review status: criteria provided, single submitter. Criteria: ACMG Guidelines, 2015. Collection method: clinical testing. Allele origin: germline.

Women's Health and Genetics/Laboratory Corporation of America, LabCorp
Classification: Benign. Last evaluated: 2022-01-10. Review status: criteria provided, single submitter. Criteria: LabCorp Variant Classification Summary - May 2015. Collection method: clinical testing. Allele origin: germline.

Color Diagnostics, LLC DBA Color Health
Classification: Likely benign for Cardiomyopathy. Last evaluated: 2018-11-16. Review status: criteria provided, single submitter. Criteria: ACMG Guidelines, 2015. Collection method: clinical testing. Allele origin: germline.

NM_001035.3(RYR2):c.1962-13C>T

Gene: RYR2 (ryanodine receptor 2; plus strand). Cytogenetic location: 1q43.
Variant type: single nucleotide variant.
Coding change: c.1962-13C>T on transcript NM_001035.3 (MANE Select); 13 bases into the intron before coding-DNA position 1962, C replaced by T.
Molecular consequence: intron variant.
Genome position (GRCh38, 1-based): chr1:237,496,498, C>T. VCF-style: chr1-237496498-C-T. GRCh37 (hg19) VCF-style: chr1-237659798-C-T.
Other names: c.1962-13C>T (NM_001035.2).
Identifiers: ClinVar variation 920692 (VCV000920692.14), dbSNP rs549804448, ClinGen allele CA085927.
Genomic context (GRCh38, chr1:237,496,498, plus strand): 5'-TTGTGAGATGTAAATGAAAACAATGAAAGGTTTTTTTGGACTTTCCTTACATGTGATTCC[C>T]GTCTCTTTAAAGCATGAGACCCAATATTTTTCTGGGCGTCAGTGAAGGTTCTGCTCAGTA-3'